The following is an entry in ClinVar:

ClinVar aggregate classification (germline): Likely pathogenic (1 of 4 stars; one submission).

Conditions:
Mitochondrial complex IV deficiency, nuclear type 4. Also called: Mitochondrial complex 4 deficiency, nuclear type 4. Identifiers: MedGen C5436683, MONDO:0033636, OMIM 619048.

gnomAD v4.1: 2 of 1,610,516 alleles (0.00012%); highest among the groups gnomAD compares: South Asian, 0.0022%; no homozygotes.

Submission:

First Genomix Gene Laboratory, Genetic Diagnostics Department
Classification: Likely pathogenic for Mitochondrial complex IV deficiency, nuclear type 4. Last evaluated: 2025-05-08. Review status: criteria provided, single submitter. Criteria: ACMG Guidelines, 2015. Collection method: clinical testing. Allele origin: germline. Inheritance: Autosomal recessive inheritance. Affected: no. Observed: 1 variant allele.

NM_004589.4(SCO1):c.89G>A (p.Trp30Ter)

Genes: SCO1 (synthesis of cytochrome C oxidase 1; minus strand), LOC112529895 (Sharpr-MPRA regulatory region 5903; plus strand). Cytogenetic location: 17p13.1.
Variant type: single nucleotide variant.
Coding change: c.89G>A on transcript NM_004589.4 (MANE Select); coding-DNA position 89, G replaced by A.
Protein change: p.Trp30Ter; replaces tryptophan 30 with a stop codon.
Molecular consequence: nonsense.
Genome position (GRCh38, 1-based): chr17:10,697,419, C>T on the plus strand (G>A on the coding strand, the complement: SCO1 is on the minus strand). VCF-style: chr17-10697419-C-T. GRCh37 (hg19) VCF-style: chr17-10600736-C-T.
Other names: short protein forms W30*.
Identifiers: ClinVar variation 4845919 (VCV004845919.1).